The following is an entry in ClinVar:

NM_003280.3(TNNC1):c.133A>G (p.Met45Val)

Gene: TNNC1 (troponin C1, slow skeletal and cardiac type; minus strand). Cytogenetic location: 3p21.1.
Variant type: single nucleotide variant.
Coding change: c.133A>G on transcript NM_003280.3 (MANE Select); coding-DNA position 133, A replaced by G.
Protein change: p.Met45Val; replaces methionine 45 with valine.
Molecular consequence: missense variant.
Genome position (GRCh38, 1-based): chr3:52,452,175, T>C on the plus strand (A>G on the coding strand, the complement: TNNC1 is on the minus strand). VCF-style: chr3-52452175-T-C. GRCh37 (hg19) VCF-style: chr3-52486191-T-C.
Other names: short protein forms M45V.
Identifiers: ClinVar variation 2953038 (VCV002953038.3), dbSNP rs2471444639, ClinGen allele CA353168834.

ClinVar aggregate classification (germline): Uncertain significance (1 of 4 stars; one submission).

Conditions:
Hypertrophic cardiomyopathy 13. Also called: TNNC1-Related Familial Hypertrophic Cardiomyopathy. Identifiers: MedGen C2750472, MONDO:0013195, OMIM 613243.
Dilated cardiomyopathy 1Z (CMD1Z). Identifiers: Orphanet 154, MedGen C2678475, MONDO:0012745, OMIM 611879.

Submission:

Labcorp Genetics (formerly Invitae), Labcorp
Classification: Uncertain significance for Hypertrophic cardiomyopathy 13; Dilated cardiomyopathy 1Z. Last evaluated: 2023-10-18. Review status: criteria provided, single submitter. Criteria: Invitae Variant Classification Sherloc (09022015). Collection method: clinical testing. Allele origin: germline.
Comment: This sequence change replaces methionine, which is neutral and non-polar, with valine, which is neutral and non-polar, at codon 45 of the TNNC1 protein (p.Met45Val). This variant is not present in population databases (gnomAD no frequency). This variant has not been reported in the literature in individuals affected with TNNC1-related conditions. An algorithm developed to predict the effect of missense changes on protein structure and function (PolyPhen-2) suggests that this variant is likely to be tolerated. In summary, the available evidence is currently insufficient to determine the role of this variant in disease. Therefore, it has been classified as a Variant of Uncertain Significance.